The following is an entry in ClinVar:

NM_199242.3(UNC13D):c.2582G>C (p.Gly861Ala)

Gene: UNC13D (unc-13 homolog D; minus strand). Cytogenetic location: 17q25.1.
Variant type: single nucleotide variant.
Coding change: c.2582G>C on transcript NM_199242.3 (MANE Select); coding-DNA position 2582, G replaced by C.
Protein change: p.Gly861Ala; replaces glycine 861 with alanine.
Molecular consequence: missense variant.
Genome position (GRCh38, 1-based): chr17:75,831,141, C>G on the plus strand (G>C on the coding strand, the complement: UNC13D is on the minus strand). VCF-style: chr17-75831141-C-G. GRCh37 (hg19) VCF-style: chr17-73827222-C-G.
Other names: short protein forms G861A.
Identifiers: ClinVar variation 2085976 (VCV002085976.1), dbSNP rs1249700092, ClinGen allele CA401081322.

ClinVar aggregate classification (germline): Uncertain significance (1 of 4 stars; one submission).

Conditions:
Familial hemophagocytic lymphohistiocytosis 3 (FHL3). Also called: UNC13D-Related Familial Hemophagocytic Lymphohistiocytosis (UNC13D-fHLH). Identifiers: Orphanet 540, MedGen C1837174, MONDO:0012146, OMIM 608898.

Allele frequency attached by ClinVar (database versions not stated): TOPMed 0.00001.
gnomAD v4.1: 1 of 1,614,032 alleles (0.000062%); highest among the groups gnomAD compares: African/African-American, 0.0013%; no homozygotes.

Submission:

Labcorp Genetics (formerly Invitae), Labcorp
Classification: Uncertain significance for Familial hemophagocytic lymphohistiocytosis 3. Last evaluated: 2022-05-13. Review status: criteria provided, single submitter. Criteria: Invitae Variant Classification Sherloc (09022015). Collection method: clinical testing. Allele origin: germline.
Comment: This sequence change replaces glycine, which is neutral and non-polar, with alanine, which is neutral and non-polar, at codon 861 of the UNC13D protein (p.Gly861Ala). This variant is present in population databases (no rsID available, gnomAD 0.007%). This variant has not been reported in the literature in individuals affected with UNC13D-related conditions. Algorithms developed to predict the effect of missense changes on protein structure and function are either unavailable or do not agree on the potential impact of this missense change (SIFT: "Not Available"; PolyPhen-2: "Probably Damaging"; Align-GVGD: "Not Available"). In summary, the available evidence is currently insufficient to determine the role of this variant in disease. Therefore, it has been classified as a Variant of Uncertain Significance.